The following is an entry in ClinVar:

ClinVar aggregate classification (germline): Likely pathogenic (1 of 4 stars; one submission).

Allele frequency attached by ClinVar (database versions not stated): gnomAD exomes 0.00002.
gnomAD v4.1: 16 of 1,614,026 alleles (0.00099%); highest among the groups gnomAD compares: Non-Finnish European, 0.0014%; no homozygotes.

Submission:

Labcorp Genetics (formerly Invitae), Labcorp
Classification: Likely pathogenic. Last evaluated: 2024-10-23. Review status: criteria provided, single submitter. Criteria: Invitae Variant Classification Sherloc (09022015). Collection method: clinical testing. Allele origin: germline.
Comment: This sequence change affects a donor splice site in intron 4 of the GALNT3 gene. It is expected to disrupt RNA splicing. Variants that disrupt the donor or acceptor splice site typically lead to a loss of protein function (PMID: 16199547), and loss-of-function variants in GALNT3 are known to be pathogenic (PMID: 15133511, 20358599). This variant is not present in population databases (gnomAD no frequency). This variant has not been reported in the literature in individuals affected with GALNT3-related conditions. Algorithms developed to predict the effect of sequence changes on RNA splicing suggest that this variant may disrupt the consensus splice site. In summary, the currently available evidence indicates that the variant is pathogenic, but additional data are needed to prove that conclusively. Therefore, this variant has been classified as Likely Pathogenic.

Literature cited by the submitters: PubMed 16199547; PubMed 15133511; PubMed 20358599.

NM_004482.4(GALNT3):c.838+1G>C

Gene: GALNT3 (polypeptide N-acetylgalactosaminyltransferase 3; minus strand). Cytogenetic location: 2q24.3.
Variant type: single nucleotide variant.
Coding change: c.838+1G>C on transcript NM_004482.4 (MANE Select); the canonical splice donor site of the intron after coding-DNA position 838, G replaced by C.
Molecular consequence: splice donor variant.
Genome position (GRCh38, 1-based): chr2:165,761,904, C>G on the plus strand (G>C on the coding strand, the complement: GALNT3 is on the minus strand). VCF-style: chr2-165761904-C-G. GRCh37 (hg19) VCF-style: chr2-166618414-C-G.
Identifiers: ClinVar variation 2918239 (VCV002918239.3), dbSNP rs2467875330, ClinGen allele CA349039418.